The following is an entry in ClinVar:

NM_014920.5(CILK1):c.760A>G (p.Ser254Gly)

Gene: CILK1 (ciliogenesis associated kinase 1; minus strand). Cytogenetic location: 6p12.1.
Variant type: single nucleotide variant.
Coding change: c.760A>G on transcript NM_014920.5 (MANE Select); coding-DNA position 760, A replaced by G.
Protein change: p.Ser254Gly; replaces serine 254 with glycine.
Molecular consequence: missense variant. On other transcripts: non-coding transcript variant (1).
Genome position (GRCh38, 1-based): chr6:53,016,154, T>C on the plus strand (A>G on the coding strand, the complement: CILK1 is on the minus strand). VCF-style: chr6-53016154-T-C. GRCh37 (hg19) VCF-style: chr6-52880952-T-C.
Other names: c.760A>G, p.Ser254Gly (NM_001375397.1, NM_001375398.1, NM_001375399.1 and 4 more transcripts); short protein forms S254G.
Identifiers: ClinVar variation 1697303 (VCV001697303.1), dbSNP rs1649022679, ClinGen allele CA364470322.

ClinVar aggregate classification (germline): Uncertain significance (1 of 4 stars; one submission).

Conditions:
Epilepsy, juvenile myoclonic, susceptibility to, 10. Identifiers: MedGen C4693613, MONDO:0060671, OMIM 617924.

Allele frequency attached by ClinVar (database versions not stated): TOPMed below 0.00001; gnomAD 0.00001.
gnomAD v4.1: 1 of 1,614,034 alleles (0.000062%); highest among the groups gnomAD compares: African/African-American, 0.0013%; no homozygotes.

Submission:

Institute of Human Genetics, University of Leipzig Medical Center
Classification: Uncertain significance for Epilepsy, juvenile myoclonic, susceptibility to, 10. Last evaluated: 2022-07-05. Review status: criteria provided, single submitter. Criteria: ACMG Guidelines, 2015. Collection method: clinical testing. Allele origin: paternal. Affected: yes.
Comment: _x000D_ Criteria applied: PM2_SUP, PP3